The following is an entry in ClinVar:

ClinVar aggregate classification (germline): Uncertain significance (1 of 4 stars; one submission).

Conditions:
Hereditary cancer-predisposing syndrome. Also called: Neoplastic Syndromes, Hereditary; Tumor predisposition; Hereditary Cancer Syndrome; Hereditary neoplastic syndrome. Identifiers: Orphanet 140162, MedGen C0027672, MeSH D009386, MONDO:0015356.

Submission:

Ambry Genetics
Classification: Uncertain significance for Hereditary cancer-predisposing syndrome. Last evaluated: 2024-11-20. Review status: criteria provided, single submitter. Criteria: Ambry Variant Classification Scheme 2023. Collection method: clinical testing. Allele origin: germline.
Comment: The p.H245R variant (also known as c.734A>G), located in coding exon 6 of the POT1 gene, results from an A to G substitution at nucleotide position 734. The histidine at codon 245 is replaced by arginine, an amino acid with highly similar properties. This amino acid position is highly conserved in available vertebrate species. In addition, the in silico prediction for this alteration is inconclusive. Based on the available evidence, the clinical significance of this variant remains unclear.

NM_015450.3(POT1):c.734A>G (p.His245Arg)

Gene: POT1 (protection of telomeres 1; minus strand). Cytogenetic location: 7q31.33.
Variant type: single nucleotide variant.
Coding change: c.734A>G on transcript NM_015450.3 (MANE Select); coding-DNA position 734, A replaced by G.
Protein change: p.His245Arg; replaces histidine 245 with arginine.
Molecular consequence: missense variant. On other transcripts: non-coding transcript variant (3).
Genome position (GRCh38, 1-based): chr7:124,853,107, T>C on the plus strand (A>G on the coding strand, the complement: POT1 is on the minus strand). VCF-style: chr7-124853107-T-C. GRCh37 (hg19) VCF-style: chr7-124493161-T-C.
Other names: c.341A>G, p.His114Arg (NM_001042594.2); short protein forms H245R, H114R.
Identifiers: ClinVar variation 3423083 (VCV003423083.1).